The following is an entry in ClinVar:

ClinVar aggregate classification (germline): Conflicting classifications of pathogenicity. Review status: criteria provided, conflicting classifications (1 of 4 stars). 4 submissions from 4 submitters: Uncertain significance (3); Likely benign (1). Last evaluated 2026-03-27.

Allele frequency attached by ClinVar (database versions not stated): TOPMed 0.00001.
gnomAD v4.1: 21 of 1,606,864 alleles (0.0013%); highest among the groups gnomAD compares: Non-Finnish European, 0.0017%; no homozygotes.

Submissions (4):

Molecular Diagnostic Laboratory for Inherited Cardiovascular Disease, Montreal Heart Institute
Classification: Likely benign. Last evaluated: 2026-03-27. Review status: criteria provided, single submitter. Criteria: ACMG Guidelines, 2015. Collection method: clinical testing. Allele origin: germline. Affected: no.
Comment: BP1

Women's Health and Genetics/Laboratory Corporation of America, LabCorp
Classification: Uncertain significance. Last evaluated: 2025-09-30. Review status: criteria provided, single submitter. Criteria: LabCorp Variant Classification Summary - May 2015. Collection method: clinical testing. Allele origin: germline.

Mayo Clinic Laboratories, Mayo Clinic
Classification: Uncertain significance. Last evaluated: 2023-10-02. Review status: criteria provided, single submitter. Criteria: ACMG Guidelines, 2015. Collection method: clinical testing. Allele origin: germline. Observed: 2 variant alleles.

Eurofins Ntd Llc (ga)
Classification: Uncertain significance. Last evaluated: 2017-02-24. Review status: criteria provided, single submitter. Criteria: EGL Classification Definitions 2015. Collection method: clinical testing. Allele origin: germline. Observed: 1 variant allele, 1 heterozygote.

NM_001267550.2(TTN):c.86345C>A (p.Pro28782Gln)

Genes: TTN (titin; minus strand), TTN-AS1 (TTN antisense RNA 1; plus strand). Cytogenetic location: 2q31.2.
Variant type: single nucleotide variant.
Coding change: c.86345C>A on transcript NM_001267550.2 (MANE Select); coding-DNA position 86345, C replaced by A.
Protein change: p.Pro28782Gln; replaces proline 28782 with glutamine.
Molecular consequence: missense variant.
Genome position (GRCh38, 1-based): chr2:178,559,787, G>T on the plus strand (C>A on the coding strand, the complement: TTN is on the minus strand). VCF-style: chr2-178559787-G-T. GRCh37 (hg19) VCF-style: chr2-179424514-G-T.
Other names: p.Pro26214Gln; c.81422C>A, p.Pro27141Gln (NM_001256850.1); c.59150C>A, p.Pro19717Gln (NM_003319.4); c.78641C>A, p.Pro26214Gln (NM_133378.4); c.59525C>A, p.Pro19842Gln (NM_133432.3); c.59726C>A, p.Pro19909Gln (NM_133437.4); short protein forms P26214Q, P28782Q, P19717Q, P19842Q, P19909Q, P27141Q.
Identifiers: ClinVar variation 500534 (VCV000500534.8), dbSNP rs561319491, ClinGen allele CA60983998.